The following is an entry in ClinVar:

ClinVar aggregate classification (germline): Uncertain significance (1 of 4 stars; one submission).

Conditions:
Epilepsy, childhood absence, susceptibility to, 1. Also called: Epilepsy, childhood absence 1. Identifiers: Orphanet 64280, MedGen C1838604, MONDO:0020759, OMIM 600131.
Epilepsy, childhood absence, susceptibility to, 5. Identifiers: Orphanet 64280, MedGen C2677087, MONDO:0012843, OMIM 612269.

gnomAD v4.1: 2 of 1,614,228 alleles (0.00012%); highest among the groups gnomAD compares: South Asian, 0.0022%; no homozygotes.

Submission:

Labcorp Genetics (formerly Invitae), Labcorp
Classification: Uncertain significance for Epilepsy, childhood absence, susceptibility to, 5; Epilepsy, childhood absence, susceptibility to, 1. Last evaluated: 2025-07-23. Review status: criteria provided, single submitter. Criteria: Invitae Variant Classification Sherloc (09022015). Collection method: clinical testing. Allele origin: germline.
Comment: This sequence change replaces glutamic acid, which is acidic and polar, with alanine, which is neutral and non-polar, at codon 377 of the GABRB3 protein (p.Glu377Ala). This variant is present in population databases (no rsID available, gnomAD 0.003%). This variant has not been reported in the literature in individuals affected with GABRB3-related conditions. Invitae Evidence Modeling of protein sequence and biophysical properties (such as structural, functional, and spatial information, amino acid conservation, physicochemical variation, residue mobility, and thermodynamic stability) has been performed for this missense variant. However, the output from this modeling did not meet the statistical confidence thresholds required to predict the impact of this variant on GABRB3 protein function. In summary, the available evidence is currently insufficient to determine the role of this variant in disease. Therefore, it has been classified as a Variant of Uncertain Significance.

NM_000814.6(GABRB3):c.1130A>C (p.Glu377Ala)

Gene: GABRB3 (gamma-aminobutyric acid type A receptor subunit beta3; minus strand). Cytogenetic location: 15q12.
Variant type: single nucleotide variant.
Coding change: c.1130A>C on transcript NM_000814.6 (MANE Select); coding-DNA position 1130, A replaced by C.
Protein change: p.Glu377Ala; replaces glutamic acid 377 with alanine.
Molecular consequence: missense variant.
Genome position (GRCh38, 1-based): chr15:26,548,085, T>G on the plus strand (A>C on the coding strand, the complement: GABRB3 is on the minus strand). VCF-style: chr15-26548085-T-G. GRCh37 (hg19) VCF-style: chr15-26793232-T-G.
Other names: c.875A>C, p.Glu292Ala (NM_001191320.2, NM_001278631.2); c.917A>C, p.Glu306Ala (NM_001191321.3); c.1130A>C, p.Glu377Ala (NM_021912.5); short protein forms E306A, E377A, E292A.
Identifiers: ClinVar variation 4789617 (VCV004789617.1).